The following is an entry in ClinVar:

ClinVar aggregate classification (germline): Uncertain significance (1 of 4 stars; one submission).

Submission:

Greenwood Genetic Center Diagnostic Laboratories, Greenwood Genetic Center
Classification: Uncertain significance. Last evaluated: 2023-05-12. Review status: criteria provided, single submitter. Criteria: ACMG Guidelines, 2015. Collection method: clinical testing. Allele origin: germline. Affected: yes.
Comment: PM2, PP2, PP3

NM_001375524.1(TRRAP):c.3478G>T (p.Gly1160Cys)

Gene: TRRAP (transformation/transcription domain associated protein; plus strand). Cytogenetic location: 7q22.1.
Variant type: single nucleotide variant.
Coding change: c.3478G>T on transcript NM_001375524.1 (MANE Select); coding-DNA position 3478, G replaced by T.
Protein change: p.Gly1160Cys; replaces glycine 1160 with cysteine.
Molecular consequence: missense variant.
Genome position (GRCh38, 1-based): chr7:98,930,717, G>T. VCF-style: chr7-98930717-G-T. GRCh37 (hg19) VCF-style: chr7-98528340-G-T.
Other names: c.3478G>T, p.Gly1160Cys (NM_001244580.2, NM_003496.4); short protein forms G1160C.
Identifiers: ClinVar variation 2572215 (VCV002572215.1), dbSNP rs2116512198, ClinGen allele CA368299912.